The following is an entry in ClinVar:

NM_000334.4(SCN4A):c.118C>T (p.Gln40Ter)

Gene: SCN4A (sodium voltage-gated channel alpha subunit 4; minus strand). Cytogenetic location: 17q23.3.
Variant type: single nucleotide variant.
Coding change: c.118C>T on transcript NM_000334.4 (MANE Select); coding-DNA position 118, C replaced by T.
Protein change: p.Gln40Ter; replaces glutamine 40 with a stop codon.
Molecular consequence: nonsense.
Genome position (GRCh38, 1-based): chr17:63,972,724, G>A on the plus strand (C>T on the coding strand, the complement: SCN4A is on the minus strand). VCF-style: chr17-63972724-G-A. GRCh37 (hg19) VCF-style: chr17-62050084-G-A.
Other names: short protein forms Q40*.
Identifiers: ClinVar variation 2633100 (VCV002633100.1), dbSNP rs2509325722, ClinGen allele CA400640440.

ClinVar aggregate classification (germline): Likely pathogenic (1 of 4 stars; one submission).

Conditions:
SCN4A-related disorder. Also called: SCN4A-related disorders.

Submission:

PreventionGenetics, part of Exact Sciences
Classification: Likely pathogenic for SCN4A-related condition. Last evaluated: 2023-05-04. Review status: criteria provided, single submitter. Criteria: ACMG Guidelines, 2015. Collection method: clinical testing. Allele origin: germline.
Comment: The SCN4A c.118C>T variant is predicted to result in premature protein termination (p.Gln40*). To our knowledge, this variant has not been reported in the literature or in a large population database, indicating this variant is rare. Nonsense variants in SCN4A are expected to be pathogenic. This variant is interpreted as likely pathogenic.